The following is an entry in ClinVar:

ClinVar aggregate classification (germline): Uncertain significance. Review status: reviewed by expert panel (3 of 4 stars). 2 submissions from 2 submitters: Uncertain significance (1). 1 of the submissions does not count toward it. Last evaluated 2024-07-11.

Conditions:
Hereditary thrombocytopenia and hematologic cancer predisposition syndrome. Identifiers: Orphanet 71290, MedGen CN281654, MONDO:0011071.
Hereditary thrombocytopenia and hematological cancer predisposition syndrome associated with RUNX1. Also called: Familial Platelet Disorder with Propensity to Acute Myelogenous Leukemia; Familial thrombocytopenia with propensity to acute myelogenous leukemia; RUNX1 Familial Platelet Disorder with Associated Myeloid Malignancies; PLATELET DISORDER, ASPIRIN-LIKE. Identifiers: Orphanet 71290, MedGen C1832388, MeSH C563324, MONDO:0100083, OMIM 601399.

Allele frequency attached by ClinVar (database versions not stated): gnomAD exomes below 0.00001.
gnomAD v4.1: 2 of 1,614,226 alleles (0.00012%); highest among the groups gnomAD compares: Admixed American, 0.0017%; no homozygotes.

Submissions (2):

ClinGen Myeloid Malignancy Variant Curation Expert Panel
Classification: Uncertain significance for Hereditary thrombocytopenia and hematologic cancer predisposition syndrome. Last evaluated: 2024-07-11. Review status: reviewed by expert panel. Criteria: ClinGen MyeloMalig ACMG Specifications v2. Collection method: curation. Allele origin: germline. Inheritance: Autosomal dominant inheritance.
Comment: NM_001754.5(RUNX1):c.928A>T (p.Met310Leu) is a missense variant with a REVEL score <0.50 (0.087) and a SpliceAI score ≤ 0.20 (Donor Loss 0.01) (BP4). In summary, the clinical significance of this variant is uncertain. ACMG/AMP criteria applied, as specified by the Myeloid Malignancy Variant Curation Expert Panel for RUNX1: BP4

Labcorp Genetics (formerly Invitae), Labcorp
Classification: Uncertain significance for Hereditary thrombocytopenia and hematological cancer predisposition syndrome associated with RUNX1. Last evaluated: 2025-08-04. Review status: criteria provided, single submitter. Criteria: Invitae Variant Classification Sherloc (09022015). Collection method: clinical testing. Allele origin: germline. Not counted in ClinVar's aggregate classification.
Comment: This sequence change replaces methionine, which is neutral and non-polar, with leucine, which is neutral and non-polar, at codon 310 of the RUNX1 protein (p.Met310Leu). This variant is present in population databases (no rsID available, gnomAD 0.003%). This variant has not been reported in the literature in individuals affected with RUNX1-related conditions. ClinVar contains an entry for this variant (Variation ID: 962678). Invitae Evidence Modeling of protein sequence and biophysical properties (such as structural, functional, and spatial information, amino acid conservation, physicochemical variation, residue mobility, and thermodynamic stability) has been performed for this missense variant. However, the output from this modeling did not meet the statistical confidence thresholds required to predict the impact of this variant on RUNX1 protein function. In summary, the available evidence is currently insufficient to determine the role of this variant in disease. Therefore, it has been classified as a Variant of Uncertain Significance.

NM_001754.5(RUNX1):c.928A>T (p.Met310Leu)

Gene: RUNX1 (RUNX family transcription factor 1; minus strand). Cytogenetic location: 21q22.12.
Variant type: single nucleotide variant.
Coding change: c.928A>T on transcript NM_001754.5 (MANE Select); coding-DNA position 928, A replaced by T.
Protein change: p.Met310Leu; replaces methionine 310 with leucine.
Molecular consequence: missense variant.
Genome position (GRCh38, 1-based): chr21:34,799,340, T>A on the plus strand (A>T on the coding strand, the complement: RUNX1 is on the minus strand). VCF-style: chr21-34799340-T-A. GRCh37 (hg19) VCF-style: chr21-36171637-T-A.
Other names: NM_001754.5(RUNX1):c.928A>T; p.Met310Leu; c.847A>T, p.Met283Leu (NM_001001890.3); short protein forms M283L, M310L.
Identifiers: ClinVar variation 962678 (VCV000962678.8), dbSNP rs1476051141, ClinGen allele CA410149642.